The following is an entry in ClinVar:

NM_001110556.2(FLNA):c.869-7C>T

Gene: FLNA (filamin A; minus strand). Cytogenetic location: Xq28.
Variant type: single nucleotide variant.
Coding change: c.869-7C>T on transcript NM_001110556.2 (MANE Select); 7 bases into the intron before coding-DNA position 869, C replaced by T.
Molecular consequence: intron variant.
Genome position (GRCh38, 1-based): chrX:154,366,857, G>A on the plus strand (C>T on the coding strand, the complement: FLNA is on the minus strand). VCF-style: chrX-154366857-G-A. GRCh37 (hg19) VCF-style: chrX-153595225-G-A.
Other names: p.?; c.869-7C>T (NM_001456.4).
Identifiers: ClinVar variation 93776 (VCV000093776.35), dbSNP rs143311779, ClinGen allele CA285499.

ClinVar aggregate classification (germline): Benign. Review status: criteria provided, multiple submitters, no conflicts (2 of 4 stars). 10 submissions from 10 submitters: Benign (8). 2 of the submissions do not count toward it. Last evaluated 2026-09-21.

Conditions:
Frontometaphyseal dysplasia (FMD1). Identifiers: Orphanet 1826, MedGen C0265293, MONDO:0015942.
Heterotopia, periventricular, X-linked dominant (PVNH1). Also called: X-linked periventricular heterotopia; PERIVENTRICULAR NODULAR HETEROTOPIA 1; PERIVENTRICULAR NODULAR HETEROTOPIA 4; HETEROTOPIA, PERIVENTRICULAR, 1. Identifiers: Orphanet 2149, Orphanet 82004, MedGen C1848213, MONDO:0010233, OMIM 300049.
Oto-palato-digital syndrome, type II (OPD2). Also called: FACIOPALATOOSSEOUS SYNDROME; OPD II SYNDROME; Otopalatodigital Syndrome Type 2 (FLNA-OPD2); Otopalatodigital Syndrome, Type II. Identifiers: Orphanet 669, Orphanet 90652, MedGen C1844696, MONDO:0010571, OMIM 304120.
Melnick-Needles syndrome (MNS). Also called: MELNICK-NEEDLES OSTEODYSPLASTY; OSTEODYSPLASTY OF MELNICK AND NEEDLES; Melnick-Needles Syndrome (FLNA-MNS). Identifiers: Orphanet 2484, MedGen C0025237, MONDO:0010650, OMIM 309350.

Allele frequency attached by ClinVar (database versions not stated): gnomAD exomes 0.00113 and 0.00289; ESP Exome Variant Server 0.01128; 1000 Genomes Project 0.00795; TOPMed 0.01149; gnomAD 0.00990 and 0.01084; ExAC 0.00377; 1000 Genomes Project 30x 0.00770.
gnomAD v4.1: 2,374 of 1,192,833 alleles (0.2%); highest among the groups gnomAD compares: African/African-American, 3.7%; 26 homozygotes.

Submissions (10):

Molecular Diagnostic Laboratory for Inherited Cardiovascular Disease, Montreal Heart Institute
Classification: Benign. Last evaluated: 2026-09-21. Review status: criteria provided, single submitter. Criteria: ACMG Guidelines, 2015. Collection method: clinical testing. Allele origin: germline. Affected: no.

Labcorp Genetics (formerly Invitae), Labcorp
Classification: Benign for Oto-palato-digital syndrome, type II; Heterotopia, periventricular, X-linked dominant; Frontometaphyseal dysplasia; Melnick-Needles syndrome. Last evaluated: 2026-02-02. Review status: criteria provided, single submitter. Criteria: Invitae Variant Classification Sherloc (09022015). Collection method: clinical testing. Allele origin: germline.

ARUP Laboratories, Molecular Genetics and Genomics, ARUP Laboratories
Classification: Benign. Last evaluated: 2025-03-13. Review status: criteria provided, single submitter. Criteria: ARUP Molecular Germline Variant Investigation Process 2024. Collection method: clinical testing. Allele origin: germline.

Mayo Clinic Laboratories, Mayo Clinic
Classification: Benign. Last evaluated: 2023-10-26. Review status: criteria provided, single submitter. Criteria: ACMG Guidelines, 2015. Collection method: clinical testing. Allele origin: germline. Observed: 24 variant alleles.
Comment: BS1, BS2, BP4, BP6, BP7

Women's Health and Genetics/Laboratory Corporation of America, LabCorp
Classification: Benign. Last evaluated: 2023-07-21. Review status: criteria provided, single submitter. Criteria: LabCorp Variant Classification Summary - May 2015. Collection method: clinical testing. Allele origin: germline.

GeneDx
Classification: Benign. Last evaluated: 2014-08-08. Review status: criteria provided, single submitter. Criteria: GeneDx Variant Classification (06012015). Collection method: clinical testing. Allele origin: germline. Affected: yes.
Comment: This variant is considered likely benign or benign based on one or more of the following criteria: it is a conservative change, it occurs at a poorly conserved position in the protein, it is predicted to be benign by multiple in silico algorithms, and/or has population frequency not consistent with disease.

Genetic Services Laboratory, University of Chicago
Classification: Benign for AllHighlyPenetrant. Last evaluated: 2013-07-08. Review status: criteria provided, single submitter. Criteria: ACMG Guidelines, 2007. Collection method: clinical testing. Allele origin: germline. Inheritance: X-linked inheritance.

Eurofins Ntd Llc (ga)
Classification: Benign. Last evaluated: 2013-03-28. Review status: criteria provided, single submitter. Criteria: EGL Classification Definitions 2015. Collection method: clinical testing. Allele origin: germline. Observed: 2 variant alleles, 1 heterozygote, 1 hemizygote.

Genome Diagnostics Laboratory, Amsterdam University Medical Center
Classification: Benign. Review status: no assertion criteria provided. Collection method: clinical testing. Allele origin: germline. Affected: yes. Study: VKGL Data-share Consensus. Not counted in ClinVar's aggregate classification.

Laboratory of Diagnostic Genome Analysis, Leiden University Medical Center (LUMC)
Classification: Benign. Review status: no assertion criteria provided. Collection method: clinical testing. Allele origin: germline. Affected: yes. Study: VKGL Data-share Consensus. Not counted in ClinVar's aggregate classification.